The following is an entry in ClinVar:

NM_016363.5(GP6):c.775+7A>T

Gene: GP6 (glycoprotein VI platelet; minus strand). Cytogenetic location: 19q13.42.
Variant type: single nucleotide variant.
Coding change: c.775+7A>T on transcript NM_016363.5 (MANE Select); 7 bases into the intron after coding-DNA position 775, A replaced by T.
Molecular consequence: intron variant.
Genome position (GRCh38, 1-based): chr19:55,015,676, T>A on the plus strand (A>T on the coding strand, the complement: GP6 is on the minus strand). VCF-style: chr19-55015676-T-A. GRCh37 (hg19) VCF-style: chr19-55527044-T-A.
Other names: p.?; c.721+7A>T (NM_001256017.2); c.779+3A>T (NM_001083899.2).
Identifiers: ClinVar variation 4542365 (VCV004542365.1).
Genomic context (GRCh38, chr19:55,015,676, plus strand): 5'-AAAGGAGTTGGCTTTGGTGAAGAGACGGGTGAGAAGGAAGGGGGTCTGGAGAGGATGACT[T>A]ACTCACCAGCTGGAGAGTCTGACTCCTTTGGACTGGCGGTGATACTCCTAGAAGTCTCTG-3'

ClinVar aggregate classification (germline): Uncertain significance (1 of 4 stars; one submission).

Submission:

Mayo Clinic Laboratories, Mayo Clinic
Classification: Uncertain significance. Last evaluated: 2025-01-31. Review status: criteria provided, single submitter. Criteria: ACMG Guidelines, 2015. Collection method: clinical testing. Allele origin: germline. Observed: 1 variant allele.
Comment: PP3, PM2_supporting